The following is an entry in ClinVar:

ClinVar aggregate classification (germline): Uncertain significance. Review status: criteria provided, multiple submitters, no conflicts (2 of 4 stars). 2 submissions from 2 submitters: Uncertain significance (2). Last evaluated 2024-11-17.

Conditions:
Immunodeficiency 51 (IMD51). Also called: CANDIDIASIS, FAMILIAL, 5. Identifiers: Orphanet 1334, MedGen C4310803, MONDO:0013500, OMIM 613953.

gnomAD v4.1: 9 of 1,528,270 alleles (0.00059%); highest among the groups gnomAD compares: African/African-American, 0.0082%; no homozygotes.

Submissions (2):

GeneDx
Classification: Uncertain significance. Last evaluated: 2024-11-17. Review status: criteria provided, single submitter. Criteria: GeneDx Variant Classification Process June 2021. Collection method: clinical testing. Allele origin: germline. Affected: yes.
Comment: In silico analysis indicates that this missense variant does not alter protein structure/function; Has not been previously published as pathogenic or benign to our knowledge

Labcorp Genetics (formerly Invitae), Labcorp
Classification: Uncertain significance for Immunodeficiency 51. Last evaluated: 2022-07-26. Review status: criteria provided, single submitter. Criteria: Invitae Variant Classification Sherloc (09022015). Collection method: clinical testing. Allele origin: germline.
Comment: The frequency data for this variant in the population databases is considered unreliable, as metrics indicate poor data quality at this position in the gnomAD database. This sequence change replaces alanine, which is neutral and non-polar, with valine, which is neutral and non-polar, at codon 697 of the IL17RA protein (p.Ala697Val). In summary, the available evidence is currently insufficient to determine the role of this variant in disease. Therefore, it has been classified as a Variant of Uncertain Significance. Algorithms developed to predict the effect of sequence changes on RNA splicing suggest that this variant may create or strengthen a splice site. Algorithms developed to predict the effect of missense changes on protein structure and function output the following: SIFT: "Tolerated"; PolyPhen-2: "Benign"; Align-GVGD: "Class C0". The valine amino acid residue is found in multiple mammalian species, which suggests that this missense change does not adversely affect protein function. ClinVar contains an entry for this variant (Variation ID: 1442381). This variant has not been reported in the literature in individuals affected with IL17RA-related conditions.

NM_014339.7(IL17RA):c.2090C>T (p.Ala697Val)

Gene: IL17RA (interleukin 17 receptor A; plus strand). Cytogenetic location: 22q11.1.
Variant type: single nucleotide variant.
Coding change: c.2090C>T on transcript NM_014339.7 (MANE Select); coding-DNA position 2090, C replaced by T.
Protein change: p.Ala697Val; replaces alanine 697 with valine.
Molecular consequence: missense variant.
Genome position (GRCh38, 1-based): chr22:17,109,309, C>T. VCF-style: chr22-17109309-C-T. GRCh37 (hg19) VCF-style: chr22-17590199-C-T.
Other names: c.1988C>T, p.Ala663Val (NM_001289905.2); c.2090C>T (NM_014339.5); short protein forms A663V, A697V.
Identifiers: ClinVar variation 1442381 (VCV001442381.9), dbSNP rs754574936, ClinGen allele CA321153128.